The following is an entry in ClinVar:

NM_004380.3(CREBBP):c.4184C>A (p.Ala1395Asp)

Gene: CREBBP (CREB binding protein; minus strand). Cytogenetic location: 16p13.3.
Variant type: single nucleotide variant.
Coding change: c.4184C>A on transcript NM_004380.3 (MANE Select); coding-DNA position 4184, C replaced by A.
Protein change: p.Ala1395Asp; replaces alanine 1395 with aspartic acid.
Molecular consequence: missense variant.
Genome position (GRCh38, 1-based): chr16:3,739,674, G>T on the plus strand (C>A on the coding strand, the complement: CREBBP is on the minus strand). VCF-style: chr16-3739674-G-T. GRCh37 (hg19) VCF-style: chr16-3789675-G-T.
Other names: c.4070C>A, p.Ala1357Asp (NM_001079846.1); short protein forms A1395D, A1357D.
Identifiers: ClinVar variation 424384 (VCV000424384.2), dbSNP rs1064796948, ClinGen allele CA16620205.

ClinVar aggregate classification (germline): Likely pathogenic (1 of 4 stars; one submission).

Submission:

GeneDx
Classification: Likely pathogenic. Last evaluated: 2017-03-16. Review status: criteria provided, single submitter. Criteria: GeneDx Variant Classification (06012015). Collection method: clinical testing. Allele origin: germline. Affected: yes.
Comment: he A1395D variant in the CREBBP gene has not been reported previously as a germline pathogenic variant, nor as a benign variant, to our knowledge. The A1395D variant is not observed in large population cohorts (Lek et al., 2016; 1000 Genomes Consortium et al., 2015; Exome Variant Server). The A1395D variant is a non-conservative amino acid substitution, which is likely to impact secondary protein structure as these residues differ in polarity, charge, size and/or other properties. This substitution occurs at a position that is conserved across species. In silico analysis predicts this variant is probably damaging to the protein structure/function. The A1395D variant is a strong candidate for a pathogenic variant.